The following is an entry in ClinVar:

NM_024426.6(WT1):c.682dup (p.Asp228fs)

Gene: WT1 (WT1 transcription factor; minus strand). Cytogenetic location: 11p13.
Variant type: Duplication.
Coding change: c.682dup on transcript NM_024426.6 (MANE Select); coding-DNA position 682, one base duplicated (G; older notation c.682dupG).
Protein change: p.Asp228fs; shifts the reading frame from aspartic acid 228.
Molecular consequence: frameshift variant. On other transcripts: non-coding transcript variant (1).
Genome position (GRCh38, 1-based): chr11:32,428,599, C duplicated on the plus strand (G on the coding strand, the reverse complement: WT1 is on the minus strand). VCF-style (leftmost placement, unchanged base first): chr11-32428598-T-TC. GRCh37 (hg19) VCF-style: chr11-32450144-T-TC.
Other names: c.682dup, p.Asp228fs (NM_000378.6, NM_024424.5); c.31dup, p.Asp11Glyfs (NM_001198551.2); c.31dup, p.Asp11fs (NM_001198552.2); c.682dup, p.Asp228Glyfs (NM_001407044.1, NM_001407045.1, NM_001407046.1 and 2 more transcripts); c.-81dup (NM_001407051.1); c.667dup, p.Asp223Glyfs (NM_024425.2); short protein forms D228fs, D11fs.
Identifiers: ClinVar variation 476713 (VCV000476713.8), dbSNP rs1554945232, ClinGen allele CA658658038.

ClinVar aggregate classification (germline): Pathogenic (1 of 4 stars; one submission).

Conditions:
Wilms tumor 1 (WT1). Also called: Wilms tumor, somatic. Identifiers: Orphanet 654, MedGen CN033288, MONDO:0008679, OMIM 194070.
Drash syndrome (DDS). Also called: NEPHROPATHY, WILMS TUMOR, AND GENITAL ANOMALIES; WILMS TUMOR AND PSEUDO- OR TRUE HERMAPHRODITISM. Identifiers: Orphanet 220, MedGen C0950121, MONDO:0008682, OMIM 194080.
11p partial monosomy syndrome (WAGR). Also called: WAGR Spectrum Disorder; CHROMOSOME 11p13 DELETION SYNDROME; WAGR syndrome; WAGR Complex. Identifiers: Orphanet 893, MedGen C0206115, MONDO:0008681, OMIM 194072.
Frasier syndrome. Identifiers: Orphanet 347, MedGen C0950122, MeSH D052159, MONDO:0007635, OMIM 136680.

Submission:

Labcorp Genetics (formerly Invitae), Labcorp
Classification: Pathogenic for Wilms tumor 1; Drash syndrome; 11p partial monosomy syndrome; Frasier syndrome. Last evaluated: 2017-05-31. Review status: criteria provided, single submitter. Criteria: Invitae Variant Classification Sherloc (09022015). Collection method: clinical testing. Allele origin: germline.
Comment: This variant has not been reported in the literature in individuals with a WT1-related disease. Loss-of-function variants in WT1 are known to be pathogenic (PMID: 15150775). For these reasons, this variant has been classified as Pathogenic. This variant is not present in population databases (ExAC no frequency). This sequence change creates a premature translational stop signal (p.Asp223Glyfs*25) in the WT1 gene. It is expected to result in an absent or disrupted protein product.

Literature cited by the submitters: PubMed 15150775.